The following is an entry in ClinVar:

ClinVar aggregate classification (germline): Uncertain significance. Review status: criteria provided, multiple submitters, no conflicts (2 of 4 stars). 3 submissions from 3 submitters: Uncertain significance (3). Last evaluated 2025-06-18.

Conditions:
Pontoneocerebellar hypoplasia. Also called: Non-syndromic pontocerebellar hypoplasia; Pontocerebellar hypoplasia. Identifiers: Orphanet 98523, MedGen C1261175, MONDO:0020135.
Inborn genetic diseases. Identifiers: MedGen C0950123, MeSH D030342.

Allele frequency attached by ClinVar (database versions not stated): gnomAD exomes below 0.00001; ExAC 0.00001; gnomAD 0.00001; TOPMed 0.00002.
gnomAD v4.1: 21 of 1,604,414 alleles (0.0013%); highest among the groups gnomAD compares: Admixed American, 0.0017%; no homozygotes.

Submissions (3):

Ambry Genetics
Classification: Uncertain significance for Inborn genetic diseases. Last evaluated: 2025-06-18. Review status: criteria provided, single submitter. Criteria: Ambry Variant Classification Scheme 2023. Collection method: clinical testing. Allele origin: germline.

Labcorp Genetics (formerly Invitae), Labcorp
Classification: Uncertain significance. Last evaluated: 2022-06-16. Review status: criteria provided, single submitter. Criteria: Invitae Variant Classification Sherloc (09022015). Collection method: clinical testing. Allele origin: germline.
Comment: Algorithms developed to predict the effect of missense changes on protein structure and function (SIFT, PolyPhen-2, Align-GVGD) all suggest that this variant is likely to be tolerated. In summary, the available evidence is currently insufficient to determine the role of this variant in disease. Therefore, it has been classified as a Variant of Uncertain Significance. This sequence change replaces leucine, which is neutral and non-polar, with phenylalanine, which is neutral and non-polar, at codon 234 of the TSEN2 protein (p.Leu234Phe). This variant is present in population databases (rs760813133, gnomAD 0.0009%). This variant has not been reported in the literature in individuals affected with TSEN2-related conditions. ClinVar contains an entry for this variant (Variation ID: 902059).

Illumina Laboratory Services, Illumina
Classification: Uncertain significance for Pontoneocerebellar hypoplasia. Last evaluated: 2018-01-12. Review status: criteria provided, single submitter. Criteria: ICSL Variant Classification Criteria 13 December 2019. Collection method: clinical testing. Allele origin: germline.

NM_025265.4(TSEN2):c.700C>T (p.Leu234Phe)

Gene: TSEN2 (tRNA splicing endonuclease subunit 2; plus strand). Cytogenetic location: 3p25.2.
Variant type: single nucleotide variant.
Coding change: c.700C>T on transcript NM_025265.4 (MANE Select); coding-DNA position 700, C replaced by T.
Protein change: p.Leu234Phe; replaces leucine 234 with phenylalanine.
Molecular consequence: missense variant. On other transcripts: non-coding transcript variant (1).
Genome position (GRCh38, 1-based): chr3:12,503,653, C>T. VCF-style: chr3-12503653-C-T. GRCh37 (hg19) VCF-style: chr3-12545152-C-T.
Other names: c.700C>T, p.Leu234Phe (NM_001145392.2, NM_001145393.3, NM_001321277.2 and 2 more transcripts); c.523C>T, p.Leu175Phe (NM_001145394.2); short protein forms L175F, L234F.
Identifiers: ClinVar variation 902059 (VCV000902059.9), dbSNP rs760813133, ClinGen allele CA2258578.
Genomic context (GRCh38, chr3:12,503,653, plus strand): 5'-GCCTCACCTCTGCCCCATGTCTGTTGCTGCAAACAAGATGCTCTCATCCTCCAGCGTGGC[C>T]TTCATCATGAAGACGGCAGCCAGCACATCGGCCTCCTGCATCCTGGGGACAGAGGGCCTG-3'
Protein context (NP_079541.1, residues 224-244): KQDALILQRG[Leu234Phe]HHEDGSQHIG